The following is an entry in ClinVar:

ClinVar aggregate classification (germline): Uncertain significance (1 of 4 stars; one submission).

Conditions:
T-cell immunodeficiency, congenital alopecia, and nail dystrophy. Also called: Congenital alopecia and nail dystrophy associated with severe functional T-cell immunodeficiency; Pignata Guarino syndrome. Identifiers: Orphanet 169095, MedGen C1866426, MONDO:0011132, OMIM 601705.

Submission:

Labcorp Genetics (formerly Invitae), Labcorp
Classification: Uncertain significance for T-cell immunodeficiency, congenital alopecia, and nail dystrophy. Last evaluated: 2021-01-22. Review status: criteria provided, single submitter. Criteria: Invitae Variant Classification Sherloc (09022015). Collection method: clinical testing. Allele origin: germline.
Comment: In summary, the available evidence is currently insufficient to determine the role of this variant in disease. Therefore, it has been classified as a Variant of Uncertain Significance. This sequence change replaces glutamic acid with glutamine at codon 480 of the FOXN1 protein (p.Glu480Gln). The glutamic acid residue is moderately conserved and there is a small physicochemical difference between glutamic acid and glutamine. This variant is not present in population databases (ExAC no frequency). This variant has not been reported in the literature in individuals with FOXN1-related conditions. Algorithms developed to predict the effect of missense changes on protein structure and function (SIFT, PolyPhen-2, Align-GVGD) all suggest that this variant is likely to be tolerated, but these predictions have not been confirmed by published functional studies and their clinical significance is uncertain.

NM_001369369.1(FOXN1):c.1438G>C (p.Glu480Gln)

Gene: FOXN1 (forkhead box N1; plus strand). Cytogenetic location: 17q11.2.
Variant type: single nucleotide variant.
Coding change: c.1438G>C on transcript NM_001369369.1 (MANE Select); coding-DNA position 1438, G replaced by C.
Protein change: p.Glu480Gln; replaces glutamic acid 480 with glutamine.
Molecular consequence: missense variant.
Genome position (GRCh38, 1-based): chr17:28,535,009, G>C. VCF-style: chr17-28535009-G-C. GRCh37 (hg19) VCF-style: chr17-26862027-G-C.
Other names: c.1438G>C, p.Glu480Gln (NM_003593.3); short protein forms E480Q.
Identifiers: ClinVar variation 1047546 (VCV001047546.5), dbSNP rs1198301349, ClinGen allele CA398326446.